The following is an entry in ClinVar:

ClinVar aggregate classification (germline): Uncertain significance (1 of 4 stars; one submission).

Conditions:
Hereditary cancer-predisposing syndrome. Also called: Neoplastic Syndromes, Hereditary; Tumor predisposition; Hereditary Cancer Syndrome; Hereditary neoplastic syndrome. Identifiers: Orphanet 140162, MedGen C0027672, MeSH D009386, MONDO:0015356.

Submission:

Ambry Genetics
Classification: Uncertain significance for Hereditary cancer-predisposing syndrome. Last evaluated: 2025-04-17. Review status: criteria provided, single submitter. Criteria: Ambry Variant Classification Scheme 2023. Collection method: clinical testing. Allele origin: germline.
Comment: The c.7104_7106dupTGG variant (also known as p.G2369dup), located in coding exon 48 of the ATM gene, results from an in-frame duplication of TGG at nucleotide positions 7104 to 7106. This results in the duplication of an extra residue between codons 2369 and 2370. This amino acid position is not well conserved in available vertebrate species. In addition, this alteration is predicted to be neutral by in silico analysis (Choi Y et al. PLoS ONE. 2012; 7(10):e46688). Based on the available evidence, the clinical significance of this variant remains unclear.

NM_000051.4(ATM):c.7104_7106dup (p.Gly2369_Asn2370insGly)

Genes: ATM (ATM serine/threonine kinase; plus strand), C11orf65 (chromosome 11 open reading frame 65; minus strand). Cytogenetic location: 11q22.3.
Variant type: Duplication.
Coding change: c.7104_7106dup on transcript NM_000051.4 (MANE Select); coding-DNA positions 7104 to 7106, 3 bases duplicated (TGG; older notation c.7104_7106dupTGG).
Protein change: p.Gly2369_Asn2370insGly.
Molecular consequence: inframe insertion. On other transcripts: inframe indel (1), intron variant (2).
Genome position (GRCh38, 1-based): chr11:108,329,035-108,329,037, TGG duplicated. VCF-style (leftmost placement, unchanged base first): chr11-108329034-C-CTGG. GRCh37 (hg19) VCF-style: chr11-108199761-C-CTGG.
Other names: c.7104_7106dupTGG (NM_000051.3); c.7104_7106dup, p.Gly2369_Asn2370insGly (NM_001351834.2); c.641-19966_641-19964dup (NM_001330368.2); c.*38+6183_*38+6185dup (NM_001351110.2).
Identifiers: ClinVar variation 3966140 (VCV003966140.1).